The following is an entry in ClinVar:

ClinVar aggregate classification (germline): Likely pathogenic (1 of 4 stars; one submission).

Conditions:
Autosomal dominant osteopetrosis 2. Also called: ALBERS-SCHONBERG DISEASE, AUTOSOMAL DOMINANT; MARBLE BONES, AUTOSOMAL DOMINANT; OSTEOSCLEROSIS FRAGILIS GENERALISATA; Osteopetroses; Marble bones; Albers-Schonberg disease. Identifiers: Orphanet 53, MedGen C3179239, MONDO:0008156, OMIM 166600.

Submission:

Bioinformatics Research Center, Pavlov First St. Petersburg State Medical University
Classification: Likely pathogenic for Autosomal dominant osteopetrosis 2. Last evaluated: 2020-03-17. Review status: criteria provided, single submitter. Criteria: ACMG Guidelines, 2015. Collection method: clinical testing. Allele origin: unknown. Inheritance: Autosomal dominant inheritance. Affected: yes. Observed: 1 heterozygote.
Comment: The c.T1769G (p.Leu614Arg) is novel and has not been reported in the 1000 Genomes Project build 20130502 (2,504 samples, accessed 9/18/2019), dpSNP build 153 (accessed 9/18/2019), or Exome Aggregation Consortium (ExAC, 60,706 samples, accessed 9/18/2019) database.

NM_001287.6(CLCN7):c.1841T>G (p.Leu614Arg)

Gene: CLCN7 (Cl-/H+ antiporter 7; minus strand). Cytogenetic location: 16p13.3.
Variant type: single nucleotide variant.
Coding change: c.1841T>G on transcript NM_001287.6 (MANE Select); coding-DNA position 1841, T replaced by G.
Protein change: p.Leu614Arg; replaces leucine 614 with arginine.
Molecular consequence: missense variant.
Genome position (GRCh38, 1-based): chr16:1,448,723, A>C on the plus strand (T>G on the coding strand, the complement: CLCN7 is on the minus strand). VCF-style: chr16-1448723-A-C. GRCh37 (hg19) VCF-style: chr16-1498724-A-C.
Other names: c.1769T>G, p.Leu590Arg (NM_001114331.3); short protein forms L614R, L590R.
Identifiers: ClinVar variation 867226 (VCV000867226.2), dbSNP rs1064794323, ClinGen allele CA394186346.
Genomic context (GRCh38, chr16:1,448,723, plus strand): 5'-GTGTCCTGGGCGCTGTACCTGGCAGTGAGTGAGTGTGAGGTGACCGGGGCCTCCCAGTGC[A>C]GGAAGGGCACACTCTGCAGCTGAATGTGCATGTCGTACAGGCCCTGCGGGCGGGGCGGGA-3'
Protein context (NP_001278.1, residues 604-624): MHIQLQSVPF[Leu614Arg]HWEAPVTSHS